The following is an entry in ClinVar:

NM_003403.5(YY1):c.1006G>C (p.Glu336Gln)

Gene: YY1 (YY1 transcription factor; plus strand). Cytogenetic location: 14q32.2.
Variant type: single nucleotide variant.
Coding change: c.1006G>C on transcript NM_003403.5 (MANE Select); coding-DNA position 1006, G replaced by C.
Protein change: p.Glu336Gln; replaces glutamic acid 336 with glutamine.
Molecular consequence: missense variant.
Genome position (GRCh38, 1-based): chr14:100,276,592, G>C. VCF-style: chr14-100276592-G-C. GRCh37 (hg19) VCF-style: chr14-100742929-G-C.
Other names: short protein forms E336Q.
Identifiers: ClinVar variation 4994386 (VCV004994386.1).

ClinVar aggregate classification (germline): Likely pathogenic (1 of 4 stars; one submission).

Conditions:
YY1-related disorder. Also called: YY1-related condition.

Submission:

PreventionGenetics, part of Exact Sciences
Classification: Likely pathogenic for YY1-related condition. Last evaluated: 2025-11-02. Review status: criteria provided, single submitter. Criteria: ACMG Guidelines, 2015. Collection method: clinical testing. Allele origin: germline.
Comment: The YY1 c.1006G>C variant is predicted to result in the amino acid substitution p.Glu336Gln. To our knowledge, this variant has not been reported in the literature or in a large population database (gnomAD), indicating this variant is rare. An alternate missense change at the same amino acid position (p.Glu336Gly) has been reported in an individual affected with Gabriele-de Vries syndrome (Table S1, Levy et al. 2022. PubMed ID: 35904121). This variant is interpreted as likely pathogenic.